The following is an entry in ClinVar:

NM_000179.3(MSH6):c.2861A>T (p.Tyr954Phe)

Gene: MSH6 (mutS homolog 6; plus strand). Cytogenetic location: 2p16.3.
Variant type: single nucleotide variant.
Coding change: c.2861A>T on transcript NM_000179.3 (MANE Select); coding-DNA position 2861, A replaced by T.
Protein change: p.Tyr954Phe; replaces tyrosine 954 with phenylalanine.
Molecular consequence: missense variant. On other transcripts: non-coding transcript variant (5), intron variant (2).
Genome position (GRCh38, 1-based): chr2:47,800,844, A>T. VCF-style: chr2-47800844-A-T. GRCh37 (hg19) VCF-style: chr2-48027983-A-T.
Other names: c.2471A>T, p.Tyr824Phe (NM_001281492.2); c.1955A>T, p.Tyr652Phe (NM_001281493.2, NM_001281494.2, NM_001406816.1 and 6 more transcripts); c.2957A>T, p.Tyr986Phe (NM_001406795.1, NM_001406802.1); c.2861A>T, p.Tyr954Phe (NM_001406796.1, NM_001406798.1, NM_001406800.1 and 2 more transcripts); c.2564A>T, p.Tyr855Phe (NM_001406797.1, NM_001406801.1, NM_001406818.1 and 10 more transcripts); c.2336A>T, p.Tyr779Phe (NM_001406799.1, NM_001406806.1, NM_001406807.1); c.2783A>T, p.Tyr928Phe (NM_001406804.1); c.2693A>T, p.Tyr898Phe (NM_001406826.1); and 4 more; short protein forms Y269F, Y652F, Y779F, Y824F, Y855F, Y898F, Y928F, Y954F.
Identifiers: ClinVar variation 4860391 (VCV004860391.1).

ClinVar aggregate classification (germline): Uncertain significance (1 of 4 stars; one submission).

Conditions:
Hereditary cancer-predisposing syndrome. Also called: Neoplastic Syndromes, Hereditary; Tumor predisposition; Hereditary Cancer Syndrome; Hereditary neoplastic syndrome. Identifiers: Orphanet 140162, MedGen C0027672, MeSH D009386, MONDO:0015356.

Submission:

Ambry Genetics
Classification: Uncertain significance for Hereditary cancer-predisposing syndrome. Last evaluated: 2026-04-04. Review status: criteria provided, single submitter. Criteria: Ambry Variant Classification Scheme 2023. Collection method: clinical testing. Allele origin: germline.
Comment: The p.Y954F variant (also known as c.2861A>T), located in coding exon 4 of the MSH6 gene, results from an A to T substitution at nucleotide position 2861. The tyrosine at codon 954 is replaced by phenylalanine, an amino acid with highly similar properties. This amino acid position is conserved. In addition, this alteration is predicted to be deleterious by in silico analysis. Based on the available evidence, the clinical significance of this variant remains unclear.